The following is an entry in ClinVar:

NM_012144.4(DNAI1):c.465_466del (p.Glu156fs)

Gene: DNAI1 (dynein axonemal intermediate chain 1; plus strand). Cytogenetic location: 9p13.3.
Variant type: Deletion.
Coding change: c.465_466del on transcript NM_012144.4 (MANE Select); coding-DNA positions 465 to 466, 2 bases deleted (TG; older notation c.465_466delTG).
Protein change: p.Glu156fs; shifts the reading frame from glutamic acid 156.
Molecular consequence: frameshift variant.
Genome position (GRCh38, 1-based): chr9:34,490,088-34,490,089, TG deleted. VCF-style (leftmost placement, unchanged base first): chr9-34490087-CTG-C. GRCh37 (hg19) VCF-style: chr9-34490085-CTG-C.
Other names: c.477_478del, p.Glu160fs (NM_001281428.2); short protein forms E156fs, E160fs.
Identifiers: ClinVar variation 1372912 (VCV001372912.6), dbSNP rs1392661120, ClinGen allele CA863450522.

ClinVar aggregate classification (germline): Pathogenic (1 of 4 stars; one submission).

Conditions:
Primary ciliary dyskinesia. Also called: Ciliary dyskinesia. Identifiers: Orphanet 244, MedGen C0008780, MONDO:0016575, HP:0012265.

Allele frequency attached by ClinVar (database versions not stated): gnomAD exomes below 0.00001; TOPMed below 0.00001; gnomAD 0.00001.

Submission:

Labcorp Genetics (formerly Invitae), Labcorp
Classification: Pathogenic for Primary ciliary dyskinesia. Last evaluated: 2023-09-11. Review status: criteria provided, single submitter. Criteria: Invitae Variant Classification Sherloc (09022015). Collection method: clinical testing. Allele origin: germline.
Comment: For these reasons, this variant has been classified as Pathogenic. ClinVar contains an entry for this variant (Variation ID: 1372912). This variant has not been reported in the literature in individuals affected with DNAI1-related conditions. This variant is not present in population databases (gnomAD no frequency). This sequence change creates a premature translational stop signal (p.Glu156Alafs*14) in the DNAI1 gene. It is expected to result in an absent or disrupted protein product. Loss-of-function variants in DNAI1 are known to be pathogenic (PMID: 16858015, 29363216).

Literature cited by the submitters: PubMed 16858015; PubMed 29363216.